The following is an entry in ClinVar:

ClinVar aggregate classification (germline): Uncertain significance (1 of 4 stars; one submission).

Submission:

Labcorp Genetics (formerly Invitae), Labcorp
Classification: Uncertain significance. Last evaluated: 2017-10-10. Review status: criteria provided, single submitter. Criteria: Invitae Variant Classification Sherloc (09022015). Collection method: clinical testing. Allele origin: germline.
Comment: This sequence change replaces glycine with tryptophan at codon 2014 of the POLE protein (p.Gly2014Trp). The glycine residue is weakly conserved and there is a large physicochemical difference between glycine and tryptophan. This variant is not present in population databases (ExAC no frequency). This variant has not been reported in the literature in individuals with POLE-related disease. Algorithms developed to predict the effect of missense changes on protein structure and function do not agree on the potential impact of this missense change (SIFT: "Tolerated"; PolyPhen-2: "Possibly Damaging"; Align-GVGD: "Class C0"). In summary, the available evidence is currently insufficient to determine the role of this variant in disease. Therefore, it has been classified as a Variant of Uncertain Significance.

NM_006231.4(POLE):c.6040G>T (p.Gly2014Trp)

Gene: POLE (DNA polymerase epsilon, catalytic subunit; minus strand). Cytogenetic location: 12q24.33.
Variant type: single nucleotide variant.
Coding change: c.6040G>T on transcript NM_006231.4 (MANE Select); coding-DNA position 6040, G replaced by T.
Protein change: p.Gly2014Trp; replaces glycine 2014 with tryptophan.
Molecular consequence: missense variant.
Genome position (GRCh38, 1-based): chr12:132,632,760, C>A on the plus strand (G>T on the coding strand, the complement: POLE is on the minus strand). VCF-style: chr12-132632760-C-A. GRCh37 (hg19) VCF-style: chr12-133209346-C-A.
Other names: short protein forms G2014W.
Identifiers: ClinVar variation 540639 (VCV000540639.8), dbSNP rs767749736, ClinGen allele CA387370786.
Genomic context (GRCh38, chr12:132,632,760, plus strand): 5'-AGAGCTGGCTGGCCCCCCTCCTCCTCACGGGGGTGCTCCCTGGAGCACTGCGCCTCAGCC[C>A]GTCCTTCATGCAGTGGTACACGGCCACGATGTACGCTGTGGAGAGGCACACACACCACAG-3'
Protein context (NP_006222.2, residues 2004-2024): IVAVYHCMKD[Gly2014Trp]LRRSAPGSTP